The following is an entry in ClinVar:

NM_000455.5(STK11):c.734_734+19dup

Gene: STK11 (serine/threonine kinase 11; plus strand). Cytogenetic location: 19p13.3.
Variant type: Duplication.
Coding change: c.734_734+19dup on transcript NM_000455.5 (MANE Select); coding-DNA position 734 through 19 bases into the intron after coding-DNA position 734, 20 bases duplicated (TGTAAGTGCCCCGCCCCCCC).
Molecular consequence: splice donor variant.
Genome position (GRCh38, 1-based): chr19:1,220,717-1,220,736, TGTAAGTGCCCCGCCCCCCC duplicated; duplicating any 20 consecutive bases within chr19:1,220,714-1,220,736 gives the same sequence; the c. name uses the placement nearest the transcript's 3' end. VCF-style (leftmost placement, unchanged base first): chr19-1220713-A-ACCCTGTAAGTGCCCCGCCCC. GRCh37 (hg19) VCF-style: chr19-1220712-A-ACCCTGTAAGTGCCCCGCCCC.
Other names: c.734_734+19dup (NM_001407255.1).
Identifiers: ClinVar variation 3070698 (VCV003070698.2), dbSNP rs2512943847, ClinGen allele CA2825002731.

ClinVar aggregate classification (germline): Uncertain significance. Review status: criteria provided, multiple submitters, no conflicts (2 of 4 stars). 2 submissions from 2 submitters: Uncertain significance (2). Last evaluated 2024-12-17.

Conditions:
Hereditary cancer-predisposing syndrome. Also called: Hereditary neoplastic syndrome; Neoplastic Syndromes, Hereditary; Tumor predisposition; Hereditary Cancer Syndrome. Identifiers: Orphanet 140162, MedGen C0027672, MeSH D009386, MONDO:0015356.
Peutz-Jeghers syndrome (PJS). Also called: POLYPOSIS, HAMARTOMATOUS INTESTINAL; POLYPS-AND-SPOTS SYNDROME; Peutz-Jeghers polyposis; Periorificial lentiginosis syndrome. Identifiers: Orphanet 2869, MedGen C0031269, MeSH D010580, MONDO:0008280, OMIM 175200.

Submissions (2):

Color Diagnostics, LLC DBA Color Health
Classification: Uncertain significance for Hereditary cancer-predisposing syndrome. Last evaluated: 2024-12-17. Review status: criteria provided, single submitter. Criteria: ACMG Guidelines, 2015. Collection method: clinical testing. Allele origin: germline.
Comment: This variant cause a 20-basepair duplication encompassing the last nucleotide of exon 5 and the first 19 nucleotides of intron 5 in the STK11 gene, encompassing the intron 5 splice donor site. Splice site prediction tools suggest that this variant may have a significant impact on RNA splicing. To our knowledge, RNA studies have not been reported for this variant. This variant has not been reported in individuals affected with STK11-related disorders in the literature. This variant has not been identified in the general population by the Genome Aggregation Database (gnomAD). The available evidence is insufficient to determine the role of this variant in disease conclusively. Therefore, this variant is classified as a Variant of Uncertain Significance.

All of Us Research Program, National Institutes of Health
Classification: Uncertain significance for Peutz-Jeghers syndrome. Last evaluated: 2023-05-04. Review status: criteria provided, single submitter. Criteria: ACMG Guidelines, 2015. Collection method: clinical testing. Allele origin: germline. Inheritance: Autosomal dominant inheritance. Observed: 1 variant allele, 1 heterozygote.
Comment: This variant cause a 20-basepair duplication encompassing the last nucleotide of exon 5 and the first 19 nucleotides of intron 5 in the STK11 gene, encompassing the intron 5 splice donor site. To our knowledge, functional studies have not been reported for this variant. This variant has not been reported in individuals affected with STK11-related disorders in the literature. This variant has not been identified in the general population by the Genome Aggregation Database (gnomAD). The available evidence is insufficient to determine the role of this variant in disease conclusively. Therefore, this variant is classified as a Variant of Uncertain Significance.

This study involves interpretation of variants in research participants for the purpose of population health screening. Participant phenotype was not available at the time of variant classification. Additional details can be found in publication PMID: 35346344, PMCID: PMC8962531